The following is an entry in ClinVar:

ClinVar aggregate classification (germline): Uncertain significance. Review status: criteria provided, multiple submitters, no conflicts (2 of 4 stars). 2 submissions from 2 submitters: Uncertain significance (2). Last evaluated 2023-10-18.

Conditions:
Early-infantile DEE. Also called: Early infantile epileptic encephalopathy with suppression bursts; Early infantile epileptic encephalopathy; Ohtahara syndrome. Identifiers: Orphanet 1934, MedGen C0393706, MONDO:0800491.

Allele frequency attached by ClinVar (database versions not stated): TOPMed 0.00002; gnomAD exomes below 0.00001; ExAC 0.00001; gnomAD 0.00001.
gnomAD v4.1: 1 of 1,613,802 alleles (0.000062%); highest among the groups gnomAD compares: African/African-American, 0.0013%; no homozygotes.

Submissions (2):

Labcorp Genetics (formerly Invitae), Labcorp
Classification: Uncertain significance for Early-infantile DEE. Last evaluated: 2023-10-18. Review status: criteria provided, single submitter. Criteria: Invitae Variant Classification Sherloc (09022015). Collection method: clinical testing. Allele origin: germline.
Comment: This sequence change replaces tyrosine, which is neutral and polar, with serine, which is neutral and polar, at codon 825 of the SCN1A protein (p.Tyr825Ser). This variant is present in population databases (rs780963881, gnomAD 0.007%). This variant has not been reported in the literature in individuals affected with SCN1A-related conditions. ClinVar contains an entry for this variant (Variation ID: 1204868). Advanced modeling of protein sequence and biophysical properties (such as structural, functional, and spatial information, amino acid conservation, physicochemical variation, residue mobility, and thermodynamic stability) performed at Invitae indicates that this missense variant is expected to disrupt SCN1A protein function. In summary, the available evidence is currently insufficient to determine the role of this variant in disease. Therefore, it has been classified as a Variant of Uncertain Significance.

GeneDx
Classification: Uncertain significance. Last evaluated: 2020-03-16. Review status: criteria provided, single submitter. Criteria: GeneDx Variant Classification Process June 2021. Collection method: clinical testing. Allele origin: germline. Affected: yes.
Comment: The majority of missense variants in this gene are considered pathogenic (Stenson et al., 2014); In silico analysis, which includes protein predictors and evolutionary conservation, supports a deleterious effect; This substitution is predicted to be within the intracellular loop between the S2 and S3 transmembrane segments of the second homologous domain; Has not been previously published as pathogenic or benign to our knowledge

NM_001165963.4(SCN1A):c.2474A>C (p.Tyr825Ser)

Gene: SCN1A (sodium voltage-gated channel alpha subunit 1; minus strand). Cytogenetic location: 2q24.3.
Variant type: single nucleotide variant.
Coding change: c.2474A>C on transcript NM_001165963.4 (MANE Select); coding-DNA position 2474, A replaced by C.
Protein change: p.Tyr825Ser; replaces tyrosine 825 with serine.
Molecular consequence: missense variant. On other transcripts: non-coding transcript variant (1).
Genome position (GRCh38, 1-based): chr2:166,039,538, T>G on the plus strand (A>C on the coding strand, the complement: SCN1A is on the minus strand). VCF-style: chr2-166039538-T-G. GRCh37 (hg19) VCF-style: chr2-166896048-T-G.
Other names: c.2390A>C, p.Tyr797Ser (NM_001165964.3, NM_001353957.2, NM_001353958.2); c.2474A>C, p.Tyr825Ser (NM_001202435.3, NM_001353948.2); c.2441A>C, p.Tyr814Ser (NM_006920.6, NM_001353949.2, NM_001353950.2 and 2 more transcripts); c.2438A>C, p.Tyr813Ser (NM_001353954.2, NM_001353955.2); c.2387A>C, p.Tyr796Ser (NM_001353960.2); c.32A>C, p.Tyr11Ser (NM_001353961.2); short protein forms Y11S, Y796S, Y797S, Y813S, Y814S, Y825S.
Identifiers: ClinVar variation 1204868 (VCV001204868.6), dbSNP rs780963881, ClinGen allele CA1943103.